The following is an entry in ClinVar:

NM_006031.6(PCNT):c.5370C>T (p.Gly1790=)

Gene: PCNT (pericentrin; plus strand). Cytogenetic location: 21q22.3.
Variant type: single nucleotide variant.
Coding change: c.5370C>T on transcript NM_006031.6 (MANE Select); coding-DNA position 5370, C replaced by T.
Protein change: p.Gly1790=; no amino-acid change (glycine 1790 retained).
Molecular consequence: synonymous variant.
Genome position (GRCh38, 1-based): chr21:46,411,443, C>T. VCF-style: chr21-46411443-C-T. GRCh37 (hg19) VCF-style: chr21-47831357-C-T.
Other names: c.5016C>T, p.Gly1672= (NM_001315529.2).
Identifiers: ClinVar variation 727872 (VCV000727872.11), dbSNP rs192388432, ClinGen allele CA10079963.

ClinVar aggregate classification (germline): Likely benign. Review status: criteria provided, single submitter (1 of 4 stars). 2 submissions from 2 submitters: Likely benign (1). 1 of the submissions does not count toward it. Last evaluated 2025-07-07.

Conditions:
PCNT-related disorder. Also called: PCNT-related condition.

Allele frequency attached by ClinVar (database versions not stated): ESP Exome Variant Server 0.00008; gnomAD 0.00015 and 0.00020; 1000 Genomes Project 30x 0.00016; 1000 Genomes Project 0.00020; TOPMed 0.00020.
gnomAD v4.1: 90 of 1,611,700 alleles (0.0056%); highest among the groups gnomAD compares: East Asian, 0.04%; no homozygotes.

Submissions (2):

Labcorp Genetics (formerly Invitae), Labcorp
Classification: Likely benign. Last evaluated: 2025-07-07. Review status: criteria provided, single submitter. Criteria: Invitae Variant Classification Sherloc (09022015). Collection method: clinical testing. Allele origin: germline.

PreventionGenetics, part of Exact Sciences
Classification: Likely benign for PCNT-related condition. Last evaluated: 2024-08-13. Review status: no assertion criteria provided. Collection method: clinical testing. Allele origin: germline. Not counted in ClinVar's aggregate classification.
Comment: This variant is classified as likely benign based on ACMG/AMP sequence variant interpretation guidelines (Richards et al. 2015 PMID: 25741868, with internal and published modifications).